The following is an entry in ClinVar:

ClinVar aggregate classification (germline): Pathogenic. Review status: criteria provided, single submitter (1 of 4 stars). 2 submissions from 2 submitters: Pathogenic (1). 1 of the submissions does not count toward it. Last evaluated 2022-05-04.

Conditions:
Myopathy, tubular aggregate, 2 (TAM2). Identifiers: MedGen C4014557, MONDO:0014383, OMIM 615883.

Submissions (2):

MGZ Medical Genetics Center
Classification: Pathogenic for Myopathy, tubular aggregate, 2. Last evaluated: 2022-05-04. Review status: criteria provided, single submitter. Criteria: ACMG Guidelines, 2015. Collection method: clinical testing. Allele origin: germline. Affected: yes. Observed: 1 variant allele.
Comment: ACMG criteria applied: PS3, PS4, PM2_SUP, PP1, PP4

OMIM
Classification: Pathogenic for MYOPATHY, TUBULAR AGGREGATE, 2. Last evaluated: 2017-10-04. Review status: no assertion criteria provided. Collection method: literature only. Allele origin: germline. Not counted in ClinVar's aggregate classification.

Literature cited by the submitters: PubMed 27882542 (cited by OMIM).

NM_032790.4(ORAI1):c.290C>G (p.Ser97Cys)

Genes: ORAI1 (ORAI calcium release-activated calcium modulator 1; plus strand), LOC130008987 (ATAC-STARR-seq lymphoblastoid silent region 4981; plus strand). Cytogenetic location: 12q24.31.
Variant type: single nucleotide variant.
Coding change: c.290C>G on transcript NM_032790.4 (MANE Select); coding-DNA position 290, C replaced by G.
Protein change: p.Ser97Cys; replaces serine 97 with cysteine.
Genome position (GRCh38, 1-based): chr12:121,627,037, C>G. VCF-style: chr12-121627037-C-G. GRCh37 (hg19) VCF-style: chr12-122064943-C-G.
Other names: short protein forms S97C.
Identifiers: ClinVar variation 440860 (VCV000440860.3), dbSNP rs1555322610, ClinGen allele CA386981209.